The following is an entry in ClinVar:

NM_001035.3(RYR2):c.11558-10T>A

Gene: RYR2 (ryanodine receptor 2; plus strand). Cytogenetic location: 1q43.
Variant type: single nucleotide variant.
Coding change: c.11558-10T>A on transcript NM_001035.3 (MANE Select); 10 bases into the intron before coding-DNA position 11558, T replaced by A.
Molecular consequence: intron variant.
Genome position (GRCh38, 1-based): chr1:237,772,002, T>A. VCF-style: chr1-237772002-T-A. GRCh37 (hg19) VCF-style: chr1-237935302-T-A.
Other names: c.11558-10T>A (LRG_402t1).
Identifiers: ClinVar variation 404232 (VCV000404232.8), dbSNP rs1060500167, ClinGen allele CA16610023.
Genomic context (GRCh38, chr1:237,772,002, plus strand): 5'-TTGGAGTTCTTAGAATGACTCAACTTGAACTTCTGAGCAAGCATTAATAACATTTTTTTA[T>A]CTTGCATAGATTTTCAGAATTATCTGAGAACTCAGACTGGCAATAATACAACTGTCAACA-3'

ClinVar aggregate classification (germline): Uncertain significance. Review status: criteria provided, multiple submitters, no conflicts (2 of 4 stars). 2 submissions from 2 submitters: Uncertain significance (2). Last evaluated 2023-05-31.

Conditions:
Catecholaminergic polymorphic ventricular tachycardia (CVPT). Also called: Catecholamine-induced polymorphic ventricular tachycardia. Identifiers: Orphanet 3286, MedGen C5574922, MONDO:0017990.
Catecholaminergic polymorphic ventricular tachycardia 1. Also called: VENTRICULAR TACHYCARDIA, CATECHOLAMINERGIC POLYMORPHIC, 1, WITH OR WITHOUT ATRIAL DYSFUNCTION AND/OR DILATED CARDIOMYOPATHY; RYR2-Related Catecholaminergic Polymorphic Ventricular Tachycardia; VENTRICULAR TACHYCARDIA, STRESS-INDUCED POLYMORPHIC 1. Identifiers: Orphanet 3286, MedGen C1631597, MONDO:0011484, OMIM 604772.

Allele frequency attached by ClinVar (database versions not stated): TOPMed below 0.00001; gnomAD 0.00001; gnomAD exomes 0.00002.
gnomAD v4.1: 23 of 1,461,510 alleles (0.0016%); highest among the groups gnomAD compares: Non-Finnish European, 0.0021%; no homozygotes.

Submissions (2):

All of Us Research Program, National Institutes of Health
Classification: Uncertain significance for Catecholaminergic polymorphic ventricular tachycardia. Last evaluated: 2023-05-31. Review status: criteria provided, single submitter. Criteria: ACMG Guidelines, 2015. Collection method: clinical testing. Allele origin: germline. Inheritance: Autosomal dominant inheritance. Observed: 2 variant alleles, 2 heterozygotes.
Comment: This variant causes a T to A nucleotide substitution at the -10 position of intron 85 of the RYR2 gene. To our knowledge, functional studies have not been reported for this variant. This variant has not been reported in individuals affected with RYR2-related disorders in the literature. This variant has been identified in 1/31396 chromosomes in the general population by the Genome Aggregation Database (gnomAD). The available evidence is insufficient to determine the role of this variant in disease conclusively. Therefore, this variant is classified as a Variant of Uncertain Significance.

This study involves interpretation of variants in research participants for the purpose of population health screening. Participant phenotype was not available at the time of variant classification. Additional details can be found in publication PMID: 35346344, PMCID: PMC8962531

Labcorp Genetics (formerly Invitae), Labcorp
Classification: Uncertain significance for Catecholaminergic polymorphic ventricular tachycardia 1. Last evaluated: 2021-08-31. Review status: criteria provided, single submitter. Criteria: Invitae Variant Classification Sherloc (09022015). Collection method: clinical testing. Allele origin: germline.
Comment: This sequence change falls in intron 85 of the RYR2 gene. It does not directly change the encoded amino acid sequence of the RYR2 protein. This variant is not present in population databases (ExAC no frequency). This variant has not been reported in the literature in individuals affected with RYR2-related conditions. ClinVar contains an entry for this variant (Variation ID: 404232). Algorithms developed to predict the effect of sequence changes on RNA splicing suggest that this variant may disrupt the consensus splice site. In summary, the available evidence is currently insufficient to determine the role of this variant in disease. Therefore, it has been classified as a Variant of Uncertain Significance.